The following is an entry in ClinVar:

ClinVar aggregate classification (germline): Uncertain significance. Review status: reviewed by expert panel (3 of 4 stars). 2 submissions from 2 submitters: Uncertain significance (1). 1 of the submissions does not count toward it. Last evaluated 2025-01-03.

Conditions:
Pulmonary arterial hypertension. Identifiers: Orphanet 182090, MedGen C2973725, MeSH D000081029, MONDO:0015924, HP:0002092.
Pulmonary hypertension, primary, 1 (PPH1). Also called: Pulmonary hypertension, familial primary, 1, with or without HHT. Identifiers: Orphanet 422, MedGen C4552070, MONDO:0024533, OMIM 178600.

Allele frequency attached by ClinVar (database versions not stated): gnomAD exomes below 0.00001.
gnomAD v4.1: 1 of 1,613,172 alleles (0.000062%); highest among the groups gnomAD compares: East Asian, 0.0022%; no homozygotes.

Submissions (2):

Clingen Pulmonary Hypertension Variant Curation Expert Panel, ClinGen
Classification: Uncertain significance for Pulmonary arterial hypertension. Last evaluated: 2025-01-03. Review status: reviewed by expert panel. Criteria: ClinGen PH ACMG Specifications BMPR2 V1.1.0. Collection method: curation. Allele origin: germline. Inheritance: Autosomal dominant inheritance.
Comment: BMPR2 c.1257A>T is a missense variant predicted to cause substitution of arginine to serine at amino acid position 419 (p.Arg419Ser). The variant is absent from gnomAD v2.1.1 controls and found at a maximum allele frequency of 0.000022 in gnomAD v4.1.0 in the East Asian ancestry group, meeting PM2_supporting criterion of <0.01% (BA1 and BS1 not met). The REVEL score of 0.59 does not meet BP4 (<=0.25) or PP3 (>=0.75) criteria. This variant resides within the critical kinase domain (PM1_moderate met). Co-segregation/case, experimental criteria, and alternative missense variants at the same location were not evaluated due to lack of reported evidence. In summary, this variant meets the criteria to be classified as a variant of uncertain significance for pulmonary arterial hypertension based on the ACMG/AMP criteria applied, as specified by the ClinGen Pulmonary Hypertension VCEP: PM2_supporting, PM1_moderate (VCEP specification version 1.1.0, 1/18/2024).

Rare Disease Genomics Group, St George's University of London
Classification: Pathogenic for Primary pulmonary hypertension. Review status: no assertion criteria provided. Collection method: literature only. Allele origin: germline. Affected: yes. Not counted in ClinVar's aggregate classification.

Literature cited by the submitters: PubMed 16429395 (cited by Rare Disease Genomics Group, St George's University of London).

NM_001204.7(BMPR2):c.1257A>T (p.Arg419Ser)

Gene: BMPR2 (bone morphogenetic protein receptor type 2; plus strand). Cytogenetic location: 2q33.2.
Variant type: single nucleotide variant.
Coding change: c.1257A>T on transcript NM_001204.7 (MANE Select); coding-DNA position 1257, A replaced by T.
Protein change: p.Arg419Ser; replaces arginine 419 with serine.
Molecular consequence: missense variant.
Genome position (GRCh38, 1-based): chr2:202,532,713, A>T. VCF-style: chr2-202532713-A-T. GRCh37 (hg19) VCF-style: chr2-203397436-A-T.
Other names: NM_001204.7(BMPR2):c.1257A>T; p.Arg419Ser; c.1257A>T (LRG_712t1); short protein forms R419S.
Identifiers: ClinVar variation 425905 (VCV000425905.2), dbSNP rs1085307323, ClinGen allele CA350341975.